The following is an entry in ClinVar:

NM_015354.3(NUP188):c.1231T>C (p.Leu411=)

Gene: NUP188 (nucleoporin 188; plus strand). Cytogenetic location: 9q34.11.
Variant type: single nucleotide variant.
Coding change: c.1231T>C on transcript NM_015354.3 (MANE Select); coding-DNA position 1231, T replaced by C.
Protein change: p.Leu411=; no amino-acid change (leucine 411 retained).
Molecular consequence: synonymous variant.
Genome position (GRCh38, 1-based): chr9:128,979,289, T>C. VCF-style: chr9-128979289-T-C. GRCh37 (hg19) VCF-style: chr9-131741568-T-C.
Identifiers: ClinVar variation 3055278 (VCV003055278.4), dbSNP rs187418344, ClinGen allele CA5272241.
Genomic context (GRCh38, chr9:128,979,289, plus strand): 5'-AAATGATCCATTTTTCTTCCCTTCCTCAAACAGGATATAATTGATACAGCATGTGAAGTA[T>C]TGGCCGACCCTTCTCTTCCGGAACTGTTCTGGGGAACAGTAAGTATGTCAGAGAGAGTCA-3'
Protein context (NP_056169.1, residues 401-421): QDIIDTACEV[Leu411=]ADPSLPELFW

ClinVar aggregate classification (germline): Likely benign. Review status: criteria provided, single submitter (1 of 4 stars). 2 submissions from 2 submitters: Likely benign (1). 1 of the submissions does not count toward it. Last evaluated 2026-05-01.

Conditions:
NUP188-related disorder. Also called: NUP188-related condition.

Allele frequency attached by ClinVar (database versions not stated): gnomAD exomes 0.00008; ExAC 0.00010; TOPMed 0.00022; gnomAD 0.00024; 1000 Genomes Project 30x 0.00031; ESP Exome Variant Server 0.00031; 1000 Genomes Project 0.00040.
gnomAD v4.1: 163 of 1,612,736 alleles (0.01%); highest among the groups gnomAD compares: African/African-American, 0.068%; no homozygotes.

Submissions (2):

CeGaT Center for Human Genetics Tuebingen
Classification: Likely benign. Last evaluated: 2026-05-01. Review status: criteria provided, single submitter. Criteria: CeGaT Center For Human Genetics Tuebingen Variant Classification Criteria Version 2. Collection method: clinical testing. Allele origin: germline. Affected: yes. Observed: 1 variant allele.
Comment: NUP188: BP4, BP7

PreventionGenetics, part of Exact Sciences
Classification: Likely benign for NUP188-related condition. Last evaluated: 2019-02-21. Review status: no assertion criteria provided. Collection method: clinical testing. Allele origin: germline. Not counted in ClinVar's aggregate classification.
Comment: This variant is classified as likely benign based on ACMG/AMP sequence variant interpretation guidelines (Richards et al. 2015 PMID: 25741868, with internal and published modifications).